The following is an entry in ClinVar:

NM_005461.5(MAFB):c.223C>G (p.Pro75Ala)

Gene: MAFB (MAF bZIP transcription factor B; minus strand). Cytogenetic location: 20q12.
Variant type: single nucleotide variant.
Coding change: c.223C>G on transcript NM_005461.5 (MANE Select); coding-DNA position 223, C replaced by G.
Protein change: p.Pro75Ala; replaces proline 75 with alanine.
Molecular consequence: missense variant.
Genome position (GRCh38, 1-based): chr20:40,688,628, G>C on the plus strand (C>G on the coding strand, the complement: MAFB is on the minus strand). VCF-style: chr20-40688628-G-C. GRCh37 (hg19) VCF-style: chr20-39317268-G-C.
Other names: short protein forms P75A.
Identifiers: ClinVar variation 3541968 (VCV003541968.3).
Genomic context (GRCh38, chr20:40,688,628, plus strand): 5'-TCTGCTGGTAGTTGCTCGCCATCCAGTACAGATCCTCGAGGTGTGTCTTCTGTTCGGTCG[G>C]GCTGAAGCTGGGCGACGAGGGCACGGAGCTACACGGAGTGCTGAGCGGTGTGGAGGACAC-3'
Protein context (NP_005452.2, residues 65-85): SSVPSSPSFS[Pro75Ala]TEQKTHLEDL

ClinVar aggregate classification (germline): Uncertain significance. Review status: criteria provided, multiple submitters, no conflicts (2 of 4 stars). 2 submissions from 2 submitters: Uncertain significance (2). Last evaluated 2024-12-24.

Conditions:
Inborn genetic diseases. Identifiers: MedGen C0950123, MeSH D030342.

Submissions (2):

Labcorp Genetics (formerly Invitae), Labcorp
Classification: Uncertain significance. Last evaluated: 2024-12-24. Review status: criteria provided, single submitter. Criteria: Invitae Variant Classification Sherloc (09022015). Collection method: clinical testing. Allele origin: germline.
Comment: This sequence change replaces proline, which is neutral and non-polar, with alanine, which is neutral and non-polar, at codon 75 of the MAFB protein (p.Pro75Ala). This variant is not present in population databases (gnomAD no frequency). This variant has not been reported in the literature in individuals affected with MAFB-related conditions. Invitae Evidence Modeling of protein sequence and biophysical properties (such as structural, functional, and spatial information, amino acid conservation, physicochemical variation, residue mobility, and thermodynamic stability) indicates that this missense variant is not expected to disrupt MAFB protein function with a negative predictive value of 95%. In summary, the available evidence is currently insufficient to determine the role of this variant in disease. Therefore, it has been classified as a Variant of Uncertain Significance.

Ambry Genetics
Classification: Uncertain significance for Inborn genetic diseases. Last evaluated: 2024-10-04. Review status: criteria provided, single submitter. Criteria: Ambry Variant Classification Scheme 2023. Collection method: clinical testing. Allele origin: germline.